The following is an entry in ClinVar:

NM_001009944.3(PKD1):c.6224G>A (p.Arg2075His)

Gene: PKD1 (polycystin 1, transient receptor potential channel interacting; minus strand). Cytogenetic location: 16p13.3.
Variant type: single nucleotide variant.
Coding change: c.6224G>A on transcript NM_001009944.3 (MANE Select); coding-DNA position 6224, G replaced by A.
Protein change: p.Arg2075His; replaces arginine 2075 with histidine.
Molecular consequence: missense variant.
Genome position (GRCh38, 1-based): chr16:2,108,943, C>T on the plus strand (G>A on the coding strand, the complement: PKD1 is on the minus strand). VCF-style: chr16-2108943-C-T. GRCh37 (hg19) VCF-style: chr16-2158944-C-T.
Other names: c.6224G>A, p.Arg2075His (NM_000296.4); short protein forms R2075H.
Identifiers: ClinVar variation 522079 (VCV000522079.6), dbSNP rs200930978, ClinGen allele CA7831667.

ClinVar aggregate classification (germline): Uncertain significance. Review status: criteria provided, multiple submitters, no conflicts (2 of 4 stars). 3 submissions from 3 submitters: Uncertain significance (3). Last evaluated 2026-09-01.

Conditions:
Inborn genetic diseases. Identifiers: MedGen C0950123, MeSH D030342.

Allele frequency attached by ClinVar (database versions not stated): gnomAD exomes 0.00008; ExAC 0.00011; gnomAD 0.00014; TOPMed 0.00017; ESP Exome Variant Server 0.00031.
gnomAD v4.1: 532 of 1,604,920 alleles (0.033%); highest among the groups gnomAD compares: Non-Finnish European, 0.042%; no homozygotes.

Submissions (3):

CeGaT Center for Human Genetics Tuebingen
Classification: Uncertain significance. Last evaluated: 2026-09-01. Review status: criteria provided, single submitter. Criteria: CeGaT Center For Human Genetics Tuebingen Variant Classification Criteria Version 2. Collection method: clinical testing. Allele origin: germline. Affected: yes. Observed: 1 variant allele.
Comment: PKD1: PM2:Supporting, PM5:Supporting

Ambry Genetics
Classification: Uncertain significance for Inborn genetic diseases. Last evaluated: 2017-09-20. Review status: criteria provided, single submitter. Criteria: Ambry exome assertion method (8-5-2015). Collection method: clinical testing. Allele origin: germline. Affected: yes. Observed: 1 variant allele.

Breakthrough Genomics
Classification: Uncertain significance. Review status: criteria provided, single submitter. Criteria: ACMG Guidelines, 2015. Collection method: not provided. Allele origin: germline. Inheritance: Autosomal dominant inheritance. Affected: yes.